The following is an entry in ClinVar:

ClinVar aggregate classification (germline): Likely pathogenic (1 of 4 stars; one submission).

Submission:

CeGaT Center for Human Genetics Tuebingen
Classification: Likely pathogenic. Last evaluated: 2022-10-01. Review status: criteria provided, single submitter. Criteria: CeGaT Center For Human Genetics Tuebingen Variant Classification Criteria Version 2. Collection method: clinical testing. Allele origin: germline. Affected: yes. Observed: 1 variant allele.
Comment: PORCN: PM2, PM6, PP1, PP4

NM_203475.3(PORCN):c.1055T>C (p.Leu352Pro)

Gene: PORCN (porcupine O-acyltransferase; plus strand). Cytogenetic location: Xp11.23.
Variant type: single nucleotide variant.
Coding change: c.1055T>C on transcript NM_203475.3 (MANE Select); coding-DNA position 1055, T replaced by C.
Protein change: p.Leu352Pro; replaces leucine 352 with proline.
Molecular consequence: missense variant.
Genome position (GRCh38, 1-based): chrX:48,515,921, T>C. VCF-style: chrX-48515921-T-C. GRCh37 (hg19) VCF-style: chrX-48374309-T-C.
Other names: c.809T>C, p.Leu270Pro (NM_001282167.2); c.1022T>C, p.Leu341Pro (NM_022825.4); c.1040T>C, p.Leu347Pro (NM_203473.3); c.1037T>C, p.Leu346Pro (NM_203474.1); short protein forms L270P, L341P, L346P, L347P, L352P.
Identifiers: ClinVar variation 1879763 (VCV001879763.29), dbSNP rs2519481481, ClinGen allele CA412848733.